The following is an entry in ClinVar:

ClinVar aggregate classification (germline): Benign (0 of 4 stars; one submission).

Conditions:
CEP170B-related disorder. Also called: CEP170B-related condition.

Allele frequency attached by ClinVar (database versions not stated): gnomAD exomes 0.00030; ExAC 0.00155; ESP Exome Variant Server 0.00337; gnomAD 0.00340; TOPMed 0.00384; 1000 Genomes Project 0.00539; 1000 Genomes Project 30x 0.00547.
gnomAD v4.1: 991 of 1,601,950 alleles (0.062%); highest among the groups gnomAD compares: African/African-American, 1.1%; 8 homozygotes.

Submission:

PreventionGenetics, part of Exact Sciences
Classification: Benign for CEP170B-related condition. Last evaluated: 2019-12-12. Review status: no assertion criteria provided. Collection method: clinical testing. Allele origin: germline.
Comment: This variant is classified as benign based on ACMG/AMP sequence variant interpretation guidelines (Richards et al. 2015 PMID: 25741868, with internal and published modifications).

NM_001112726.3(CEP170B):c.1296C>T (p.Ala432=)

Gene: CEP170B (centrosomal protein 170B; plus strand). Cytogenetic location: 14q32.33.
Variant type: single nucleotide variant.
Coding change: c.1296C>T on transcript NM_001112726.3 (MANE Select); coding-DNA position 1296, C replaced by T.
Protein change: p.Ala432=; no amino-acid change (alanine 432 retained).
Molecular consequence: synonymous variant.
Genome position (GRCh38, 1-based): chr14:104,884,075, C>T. VCF-style: chr14-104884075-C-T. GRCh37 (hg19) VCF-style: chr14-105350412-C-T.
Other names: c.1086C>T, p.Ala362= (NM_015005.3).
Identifiers: ClinVar variation 3052783 (VCV003052783.2), dbSNP rs201713998, ClinGen allele CA7375560.